The following is an entry in ClinVar:

NM_015166.4(MLC1):c.391_392dup (p.Lys132fs)

Gene: MLC1 (modulator of VRAC current 1; minus strand). Cytogenetic location: 22q13.33.
Variant type: Duplication.
Coding change: c.391_392dup on transcript NM_015166.4 (MANE Select); coding-DNA positions 391 to 392, 2 bases duplicated (TG; older notation c.391_392dupTG).
Protein change: p.Lys132fs; shifts the reading frame from lysine 132.
Molecular consequence: frameshift variant. On other transcripts: non-coding transcript variant (3), intron variant (3).
Genome position (GRCh38, 1-based): chr22:50,079,949-50,079,950, CA duplicated on the plus strand (TG on the coding strand, the reverse complement: MLC1 is on the minus strand). VCF-style (leftmost placement, unchanged base first): chr22-50079948-G-GCA. GRCh37 (hg19) VCF-style: chr22-50518377-G-GCA.
Other names: c.391_392dup, p.Lys132fs (NM_001376472.1, NM_001376473.1, NM_001376474.1 and 6 more transcripts); c.301_302dup, p.Lys102fs (NM_001376480.1); c.154_155dup, p.Lys53fs (NM_001376484.1); c.268-2448_268-2447dup (NM_001376482.1, NM_001376483.1); c.321+394_321+395dup (NM_001376481.1); short protein forms K102fs, K132fs, K53fs.
Identifiers: ClinVar variation 4815815 (VCV004815815.1).

ClinVar aggregate classification (germline): Likely pathogenic (1 of 4 stars; one submission).

Conditions:
Megalencephalic leukoencephalopathy with subcortical cysts. Also called: VAN DER KNAAP DISEASE. Identifiers: Orphanet 2478, MedGen C1858854, MONDO:0011391.

Submission:

Natera, Inc.
Classification: Likely pathogenic for Megalencephalic leukoencephalopathy with subcortical cysts. Last evaluated: 2024-05-01. Review status: criteria provided, single submitter. Criteria: Natera Variant Classification Schema (03/2026). Collection method: clinical testing. Allele origin: germline.
Comment: The c.391_392dupTG variant in MLC1 is a frameshift variant predicted to shift the reading frame beginning at codon 132 and leads to a stop codon 3 codons downstream. This variant is expected to result in nonsense mediated decay, truncation, or a dysfunctional protein product. This variant is rare in the general population with a frequency below the threshold expected for the associated phenotype(s). Given the available evidence, this variant is classified as Likely Pathogenic.